The following is an entry in ClinVar:

NM_006005.3(WFS1):c.2387ACG[3] (p.Asp797dup)

Gene: WFS1 (wolframin ER transmembrane glycoprotein; plus strand). Cytogenetic location: 4p16.1.
Variant type: Microsatellite.
Coding change: c.2387ACG[3] on transcript NM_006005.3 (MANE Select); three copies in a row of the 3-base unit ACG starting at c.2387; the reference has two copies in a row; one copy, 3 bases duplicated; also written c.2390_2392dup.
Protein change: p.Asp797dup; duplicates aspartic acid 797.
Molecular consequence: inframe insertion.
Genome position (GRCh38, 1-based): chr4:6,302,185-6,302,187, ACG duplicated; duplicating any 3 consecutive bases within chr4:6,302,181-6,302,187 gives the same sequence; the position shown is the placement nearest the transcript's 3' end. VCF-style (leftmost placement, unchanged base first): chr4-6302180-G-GGAC. GRCh37 (hg19) VCF-style: chr4-6303907-G-GGAC.
Other names: p.Asp797_Val798insAsp; c.2390_2392dupACG (NM_006005.3); c.2390_2392dup (NM_006005.3); c.2387ACG[3], p.Asp797dup (NM_001145853.1).
Identifiers: ClinVar variation 45454 (VCV000045454.69), dbSNP rs397517197, ClinGen allele CA136352.

ClinVar aggregate classification (germline): Benign/Likely benign. Review status: criteria provided, multiple submitters, no conflicts (2 of 4 stars). 9 submissions from 9 submitters: Benign (2); Likely benign (4). 3 of the submissions do not count toward it. Last evaluated 2026-01-30.

Conditions:
WFS1-related disorder. Identifiers: MedGen CN379391, MONDO:0700293.

Submissions (9):

Labcorp Genetics (formerly Invitae), Labcorp
Classification: Benign. Last evaluated: 2026-01-30. Review status: criteria provided, single submitter. Criteria: Invitae Variant Classification Sherloc (09022015). Collection method: clinical testing. Allele origin: germline.

CeGaT Center for Human Genetics Tuebingen
Classification: Likely benign. Last evaluated: 2025-03-01. Review status: criteria provided, single submitter. Criteria: CeGaT Center For Human Genetics Tuebingen Variant Classification Criteria Version 2. Collection method: clinical testing. Allele origin: germline. Affected: yes. Observed: 5 variant alleles.
Comment: WFS1: PM4:Supporting, BS2

Blueprint Genetics
Classification: Likely benign. Last evaluated: 2024-11-26. Review status: criteria provided, single submitter. Criteria: ACMG Guidelines, 2015. Collection method: clinical testing. Allele origin: germline.

ARUP Laboratories, Molecular Genetics and Genomics, ARUP Laboratories
Classification: Likely benign. Last evaluated: 2023-10-14. Review status: criteria provided, single submitter. Criteria: ARUP Molecular Germline Variant Investigation Process 2024. Collection method: clinical testing. Allele origin: germline.

GeneDx
Classification: Likely benign. Last evaluated: 2021-06-16. Review status: criteria provided, single submitter. Criteria: GeneDx Variant Classification Process June 2021. Collection method: clinical testing. Allele origin: germline. Affected: yes.
Comment: This variant is associated with the following publications: (PMID: 25740874, 12754709)

Laboratory for Molecular Medicine, Mass General Brigham Personalized Medicine
Classification: Benign. Last evaluated: 2015-06-19. Review status: criteria provided, single submitter. Criteria: LMM Criteria. Collection method: clinical testing. Allele origin: germline. Observed: 3 variant alleles.
Comment: p.Asp797dup in exon 8 of WFS1: This variant is not expected to have clinical sig nificance it has been identified in 0.7% (124/16292) of South Asian chromosomes, with two homozygote individuals, by the Exome Aggregation Consortium (ExAC; dbSNP rs397517197).

PreventionGenetics, part of Exact Sciences
Classification: Benign for WFS1-related condition. Last evaluated: 2019-07-03. Review status: no assertion criteria provided. Collection method: clinical testing. Allele origin: germline. Not counted in ClinVar's aggregate classification.
Comment: This variant is classified as benign based on ACMG/AMP sequence variant interpretation guidelines (Richards et al. 2015 PMID: 25741868, with internal and published modifications).

Clinical Genetics, Academic Medical Center
Classification: Likely benign. Review status: no assertion criteria provided. Collection method: clinical testing. Allele origin: germline. Affected: yes. Study: VKGL Data-share Consensus. Not counted in ClinVar's aggregate classification.

Laboratory of Diagnostic Genome Analysis, Leiden University Medical Center (LUMC)
Classification: Likely benign. Review status: no assertion criteria provided. Collection method: clinical testing. Allele origin: germline. Affected: yes. Study: VKGL Data-share Consensus. Not counted in ClinVar's aggregate classification.